The following is an entry in ClinVar:

NM_145038.5(DRC1):c.2075C>G (p.Thr692Ser)

Gene: DRC1 (dynein regulatory complex subunit 1; plus strand). Cytogenetic location: 2p23.3.
Variant type: single nucleotide variant.
Coding change: c.2075C>G on transcript NM_145038.5 (MANE Select); coding-DNA position 2075, C replaced by G.
Protein change: p.Thr692Ser; replaces threonine 692 with serine.
Molecular consequence: missense variant.
Genome position (GRCh38, 1-based): chr2:26,455,142, C>G. VCF-style: chr2-26455142-C-G. GRCh37 (hg19) VCF-style: chr2-26678010-C-G.
Other names: c.2075C>G (NM_145038.2, NM_145038.4); short protein forms T692S.
Identifiers: ClinVar variation 525259 (VCV000525259.13), dbSNP rs201260214, ClinGen allele CA1562511.

ClinVar aggregate classification (germline): Conflicting classifications of pathogenicity. Review status: criteria provided, conflicting classifications (1 of 4 stars). 4 submissions from 4 submitters: Uncertain significance (3); Likely benign (1). Last evaluated 2025-11-24.

Conditions:
Inborn genetic diseases. Identifiers: MedGen C0950123, MeSH D030342.
Primary ciliary dyskinesia. Also called: Ciliary dyskinesia. Identifiers: Orphanet 244, MedGen C0008780, MONDO:0016575, HP:0012265.
Primary ciliary dyskinesia 21. Also called: CILIARY DYSKINESIA, PRIMARY, 21, WITHOUT SITUS INVERSUS. Identifiers: Orphanet 244, MedGen C3809087, MONDO:0014123, OMIM 615294.

Allele frequency attached by ClinVar (database versions not stated): ESP Exome Variant Server 0.00008; 1000 Genomes Project 30x 0.00016; TOPMed 0.00028; gnomAD exomes 0.00033; gnomAD 0.00034 and 0.00037; 1000 Genomes Project 0.00020; ExAC 0.00037.
gnomAD v4.1: 721 of 1,614,048 alleles (0.045%); highest among the groups gnomAD compares: Non-Finnish European, 0.049%; 1 homozygote.

Submissions (4):

Labcorp Genetics (formerly Invitae), Labcorp
Classification: Likely benign for Primary ciliary dyskinesia. Last evaluated: 2025-11-24. Review status: criteria provided, single submitter. Criteria: Invitae Variant Classification Sherloc (09022015). Collection method: clinical testing. Allele origin: germline.

Ambry Genetics
Classification: Uncertain significance for Inborn genetic diseases. Last evaluated: 2024-11-30. Review status: criteria provided, single submitter. Criteria: Ambry Variant Classification Scheme 2023. Collection method: clinical testing. Allele origin: germline.

Molecular Genetics McLendon Clinical Laboratories, University of North Carolina at Chapel Hill
Classification: Uncertain significance for Primary ciliary dyskinesia. Last evaluated: 2022-09-22. Review status: criteria provided, single submitter. Criteria: ACMG Guidelines, 2015. Collection method: clinical testing. Allele origin: germline.

ARUP Laboratories, Molecular Genetics and Genomics, ARUP Laboratories
Classification: Uncertain significance for Primary ciliary dyskinesia 21. Last evaluated: 2022-09-16. Review status: criteria provided, single submitter. Criteria: ARUP Molecular Germline Variant Investigation Process 2021. Collection method: clinical testing. Allele origin: germline.
Comment: The DRC1 c.2075C>G; p.Thr692Ser variant (rs201260214), to our knowledge, is not reported in the medical literature but is reported in ClinVar (Variation ID: 525259). This variant is found in the general population with an allele frequency of 0.033% (92/282,772 alleles, including 1 homozygote) in the Genome Aggregation Database. The threonine at codon 692 is moderately conserved, but computational analyses predict that this variant is neutral (REVEL: 0.04). However, given the lack of clinical and functional data, the significance of the p.Thr692Ser variant is uncertain at this time.